The following is an entry in ClinVar:

ClinVar aggregate classification (germline): Uncertain significance. Review status: criteria provided, multiple submitters, no conflicts (2 of 4 stars). 4 submissions from 4 submitters: Uncertain significance (4). Last evaluated 2026-01-20.

Conditions:
Inborn genetic diseases. Identifiers: MedGen C0950123, MeSH D030342.
Nephronophthisis 4 (NPHP4). Also called: NEPHRONOPHTHISIS 4, JUVENILE. Identifiers: Orphanet 655, MedGen C1847013, MONDO:0011752, OMIM 606966.
Senior-Loken syndrome 4 (SLSN4). Identifiers: Orphanet 3156, MedGen C1846979, MONDO:0011756, OMIM 606996.
Nephronophthisis. Also called: Juvenile Nephronophthisis. Identifiers: Orphanet 655, MedGen C0687120, MONDO:0019005, HP:0000090.

Allele frequency attached by ClinVar (database versions not stated): ExAC below 0.00001; TOPMed 0.00001; gnomAD 0.00002; gnomAD exomes 0.00002 and 0.00004.
gnomAD v4.1: 54 of 1,565,914 alleles (0.0034%); highest among the groups gnomAD compares: Non-Finnish European, 0.0045%; no homozygotes.

Submissions (4):

Labcorp Genetics (formerly Invitae), Labcorp
Classification: Uncertain significance for Nephronophthisis. Last evaluated: 2026-01-20. Review status: criteria provided, single submitter. Criteria: Invitae Variant Classification Sherloc (09022015). Collection method: clinical testing. Allele origin: germline.
Comment: This sequence change replaces alanine, which is neutral and non-polar, with valine, which is neutral and non-polar, at codon 1220 of the NPHP4 protein (p.Ala1220Val). The frequency data for this variant in the population databases is considered unreliable, as metrics indicate poor data quality at this position in the gnomAD database. This variant has not been reported in the literature in individuals affected with NPHP4-related conditions. ClinVar contains an entry for this variant (Variation ID: 935502). Invitae Evidence Modeling of protein sequence and biophysical properties (such as structural, functional, and spatial information, amino acid conservation, physicochemical variation, residue mobility, and thermodynamic stability) indicates that this missense variant is expected to disrupt NPHP4 protein function with a positive predictive value of 80%. In summary, the available evidence is currently insufficient to determine the role of this variant in disease. Therefore, it has been classified as a Variant of Uncertain Significance.

Ambry Genetics
Classification: Uncertain significance for Inborn genetic diseases. Last evaluated: 2024-12-10. Review status: criteria provided, single submitter. Criteria: Ambry Variant Classification Scheme 2023. Collection method: clinical testing. Allele origin: germline.

Fulgent Genetics
Classification: Uncertain significance for Nephronophthisis 4; Senior-Loken syndrome 4. Last evaluated: 2021-08-03. Review status: criteria provided, single submitter. Criteria: ACMG Guidelines, 2015. Collection method: clinical testing. Allele origin: unknown.

Blueprint Genetics
Classification: Uncertain significance. Last evaluated: 2021-02-25. Review status: criteria provided, single submitter. Criteria: ACMG Guidelines, 2015. Collection method: clinical testing. Allele origin: germline.

NM_015102.5(NPHP4):c.3659C>T (p.Ala1220Val)

Gene: NPHP4 (nephrocystin 4; minus strand). Cytogenetic location: 1p36.31.
Variant type: single nucleotide variant.
Coding change: c.3659C>T on transcript NM_015102.5 (MANE Select); coding-DNA position 3659, C replaced by T.
Protein change: p.Ala1220Val; replaces alanine 1220 with valine.
Molecular consequence: missense variant. On other transcripts: non-coding transcript variant (1).
Genome position (GRCh38, 1-based): chr1:5,865,259, G>A on the plus strand (C>T on the coding strand, the complement: NPHP4 is on the minus strand). VCF-style: chr1-5865259-G-A. GRCh37 (hg19) VCF-style: chr1-5925319-G-A.
Other names: c.3659C>T (NM_015102.3); c.2120C>T, p.Ala707Val (NM_001291593.2); c.2123C>T, p.Ala708Val (NM_001291594.2); short protein forms A707V, A1220V, A708V.
Identifiers: ClinVar variation 935502 (VCV000935502.12), dbSNP rs758049366, ClinGen allele CA553505.